The following is an entry in ClinVar:

NM_000219.6(KCNE1):c.160T>C (p.Phe54Leu)

Gene: KCNE1 (potassium voltage-gated channel subfamily E regulatory subunit 1; minus strand). Cytogenetic location: 21q22.12.
Variant type: single nucleotide variant.
Coding change: c.160T>C on transcript NM_000219.6 (MANE Select); coding-DNA position 160, T replaced by C.
Protein change: p.Phe54Leu; replaces phenylalanine 54 with leucine.
Molecular consequence: missense variant.
Genome position (GRCh38, 1-based): chr21:34,449,475, A>G on the plus strand (T>C on the coding strand, the complement: KCNE1 is on the minus strand). VCF-style: chr21-34449475-A-G. GRCh37 (hg19) VCF-style: chr21-35821773-A-G.
Other names: c.160T>C, p.Phe54Leu (NM_001127668.4, NM_001127669.4, NM_001127670.4 and 4 more transcripts); short protein forms F54L.
Identifiers: ClinVar variation 3374204 (VCV003374204.2).

Conditions:
Long QT syndrome 5 (LQT5). Identifiers: Orphanet 101016, Orphanet 768, MedGen C1867904, MONDO:0013372, OMIM 613695.

Submission:

Roden Lab, Vanderbilt University Medical Center
No classification provided (evidence only). Condition: Long QT syndrome 5. Review status: no classification provided. Collection method: in vitro. Allele origin: not applicable. Functional consequence: Effect on ion channel function.
ClinVar note: "not provided" was previously submitted as the classification for the variant. However, the classification appeared to be based only on an observation of functional data so it was converted to no classification on 2025-07-30.